The following is an entry in ClinVar:

ClinVar aggregate classification (germline): Benign/Likely benign. Review status: criteria provided, multiple submitters, no conflicts (2 of 4 stars). 3 submissions from 3 submitters: Benign (1); Likely benign (2). Last evaluated 2025-06-25.

Conditions:
Hereditary cancer-predisposing syndrome. Also called: Hereditary Cancer Syndrome; Neoplastic Syndromes, Hereditary; Hereditary neoplastic syndrome; Tumor predisposition. Identifiers: Orphanet 140162, MedGen C0027672, MeSH D009386, MONDO:0015356.
Familial adenomatous polyposis 1 (FAP1). Also called: FAMILIAL ADENOMATOUS POLYPOSIS 1, ATTENUATED; POLYPOSIS, ADENOMATOUS INTESTINAL. Identifiers: MedGen C2713442, MONDO:0021056, OMIM 175100. Disease mechanism: loss of function.

Allele frequency attached by ClinVar (database versions not stated): TOPMed below 0.00001.

Submissions (3):

Labcorp Genetics (formerly Invitae), Labcorp
Classification: Likely benign for Familial adenomatous polyposis 1. Last evaluated: 2025-06-25. Review status: criteria provided, single submitter. Criteria: Invitae Variant Classification Sherloc (09022015). Collection method: clinical testing. Allele origin: germline.

Ambry Genetics
Classification: Likely benign for Hereditary cancer-predisposing syndrome. Last evaluated: 2025-05-09. Review status: criteria provided, single submitter. Criteria: Ambry Variant Classification Scheme 2023. Collection method: clinical testing. Allele origin: germline.

Myriad Genetics, Inc.
Classification: Benign for Familial adenomatous polyposis 1. Last evaluated: 2024-04-08. Review status: criteria provided, single submitter. Criteria: Myriad Autosomal Dominant, Autosomal Recessive and X-Linked Classification Criteria (2023). Collection method: clinical testing. Allele origin: unknown.
Comment: This variant is considered benign. This variant is a silent/synonymous amino acid change and it is not expected to impact splicing.

NM_000038.6(APC):c.7059T>G (p.Thr2353=)

Gene: APC (APC regulator of Wnt signaling pathway; plus strand). Cytogenetic location: 5q22.2.
Variant type: single nucleotide variant.
Coding change: c.7059T>G on transcript NM_000038.6 (MANE Select); coding-DNA position 7059, T replaced by G.
Protein change: p.Thr2353=; no amino-acid change (threonine 2353 retained).
Molecular consequence: synonymous variant. On other transcripts: non-coding transcript variant (2).
Genome position (GRCh38, 1-based): chr5:112,842,653, T>G. VCF-style: chr5-112842653-T-G. GRCh37 (hg19) VCF-style: chr5-112178350-T-G.
Other names: c.7059T>G (NM_000038.5); c.7059T>G, p.Thr2353= (NM_001127510.3, NM_001354895.2, NM_001407450.1); c.7005T>G, p.Thr2335= (NM_001127511.3); c.7113T>G, p.Thr2371= (NM_001354896.2, NM_001407447.1, NM_001407448.1 and 1 more transcripts); c.7089T>G, p.Thr2363= (NM_001354897.2); c.6984T>G, p.Thr2328= (NM_001354898.2); c.6975T>G, p.Thr2325= (NM_001354899.2); c.6936T>G, p.Thr2312= (NM_001354900.2); and 12 more.
Identifiers: ClinVar variation 2018105 (VCV002018105.6), dbSNP rs1054356903, ClinGen allele CA125167810.